The following is an entry in ClinVar:

ClinVar aggregate classification (germline): Uncertain significance (1 of 4 stars; one submission).

Conditions:
Inborn genetic diseases. Identifiers: MedGen C0950123, MeSH D030342.

Submission:

Ambry Genetics
Classification: Uncertain significance for Inborn genetic diseases. Last evaluated: 2026-07-19. Review status: criteria provided, single submitter. Criteria: Ambry Variant Classification Scheme 2023. Collection method: clinical testing. Allele origin: germline.
Comment: The p.A454G variant (also known as c.1361C>G), located in coding exon 15 of the FANCA gene, results from a C to G substitution at nucleotide position 1361. The alanine at codon 454 is replaced by glycine, an amino acid with similar properties. This amino acid position is conserved. In addition, the in silico prediction for this alteration is inconclusive. Based on the available evidence, the clinical significance of this variant remains unclear.

NM_000135.4(FANCA):c.1361C>G (p.Ala454Gly)

Gene: FANCA (FA complementation group A; minus strand). Cytogenetic location: 16q24.3.
Variant type: single nucleotide variant.
Coding change: c.1361C>G on transcript NM_000135.4 (MANE Select); coding-DNA position 1361, C replaced by G.
Protein change: p.Ala454Gly; replaces alanine 454 with glycine.
Molecular consequence: missense variant.
Genome position (GRCh38, 1-based): chr16:89,784,963, G>C on the plus strand (C>G on the coding strand, the complement: FANCA is on the minus strand). VCF-style: chr16-89784963-G-C. GRCh37 (hg19) VCF-style: chr16-89851371-G-C.
Other names: c.1361C>G, p.Ala454Gly (NM_001286167.3); short protein forms A454G.
Identifiers: ClinVar variation 5036366 (VCV005036366.1).